The following is an entry in ClinVar:

NM_181507.2(HPS5):c.220-2A>G

Gene: HPS5 (HPS5 biogenesis of lysosomal organelles complex 2 subunit 2; minus strand). Cytogenetic location: 11p15.1.
Variant type: single nucleotide variant.
Coding change: c.220-2A>G on transcript NM_181507.2 (MANE Select); the canonical splice acceptor site of the intron before coding-DNA position 220, A replaced by G.
Molecular consequence: splice acceptor variant.
Genome position (GRCh38, 1-based): chr11:18,311,453, T>C on the plus strand (A>G on the coding strand, the complement: HPS5 is on the minus strand). VCF-style: chr11-18311453-T-C. GRCh37 (hg19) VCF-style: chr11-18333000-T-C.
Other names: c.-123-2A>G (NM_001440929.1, NM_181508.2, NM_001440921.1 and 10 more transcripts); c.109-2A>G (NM_001440915.1, NM_001440914.1, NM_001440913.1); c.220-2A>G (NM_001440931.1, NM_001440917.1, NM_001440906.1 and 6 more transcripts); c.145-2A>G (NM_001440907.1, NM_001440909.1, NM_001440908.1); c.34-2A>G (NM_001440918.1).
Identifiers: ClinVar variation 2043667 (VCV002043667.4), dbSNP rs2494207964, ClinGen allele CA379507307.
Genomic context (GRCh38, chr11:18,311,453, plus strand): 5'-GCTACAGCAACATAATCATCATCATGTAAACAACAGGCGACTTGAGAAATTGCACCTTCC[T>C]AGAGCACAAAAGAAAATACATTTTTTAAATCTCAAGTTTTACATTATTATTATTATTATT-3'

ClinVar aggregate classification (germline): Pathogenic (1 of 4 stars; one submission).

Submission:

Labcorp Genetics (formerly Invitae), Labcorp
Classification: Pathogenic. Last evaluated: 2022-11-15. Review status: criteria provided, single submitter. Criteria: Invitae Variant Classification Sherloc (09022015). Collection method: clinical testing. Allele origin: germline.
Comment: For these reasons, this variant has been classified as Pathogenic. Algorithms developed to predict the effect of sequence changes on RNA splicing suggest that this variant may disrupt the consensus splice site. Disruption of this splice site has been observed in individual(s) with clinical features of Hermansky-Pudlak syndrome (Invitae). This variant is not present in population databases (gnomAD no frequency). This sequence change affects an acceptor splice site in intron 3 of the HPS5 gene. It is expected to disrupt RNA splicing. Variants that disrupt the donor or acceptor splice site typically lead to a loss of protein function (PMID: 16199547), and loss-of-function variants in HPS5 are known to be pathogenic (PMID: 12548288, 15296495, 21833017, 26785811).

Literature cited by the submitters: PubMed 16199547; PubMed 12548288; PubMed 15296495; PubMed 21833017; PubMed 26785811.